The following is an entry in ClinVar:

ClinVar aggregate classification (germline): Pathogenic (1 of 4 stars; one submission).

Conditions:
Rubinstein-Taybi syndrome due to EP300 haploinsufficiency. Also called: EP300-Related Rubinstein-Taybi Syndrome; RUBINSTEIN-TAYBI SYNDROME 2. Identifiers: Orphanet 353284, Orphanet 783, MedGen C3150941, MONDO:0013364, OMIM 613684.

Submission:

Labcorp Genetics (formerly Invitae), Labcorp
Classification: Pathogenic for Rubinstein-Taybi syndrome due to EP300 haploinsufficiency. Last evaluated: 2020-07-21. Review status: criteria provided, single submitter. Criteria: Invitae Variant Classification Sherloc (09022015). Collection method: clinical testing. Allele origin: germline.
Comment: For these reasons, this variant has been classified as Pathogenic. This variant has not been reported in the literature in individuals with EP300-related conditions. Loss-of-function variants in EP300 are known to be pathogenic (PMID: 15706485, 24476420). This sequence change creates a premature translational stop signal (p.Asn217Lysfs*5) in the EP300 gene. It is expected to result in an absent or disrupted protein product. This variant is not present in population databases (ExAC no frequency).

Literature cited by the submitters: PubMed 15706485; PubMed 24476420.

NM_001429.4(EP300):c.650dup (p.Asn217fs)

Gene: EP300 (EP300 lysine acetyltransferase; plus strand). Cytogenetic location: 22q13.2.
Variant type: Duplication.
Coding change: c.650dup on transcript NM_001429.4 (MANE Select); coding-DNA position 650, one base duplicated (A; older notation c.650dupA).
Protein change: p.Asn217fs; shifts the reading frame from asparagine 217.
Molecular consequence: frameshift variant.
Genome position (GRCh38, 1-based): chr22:41,117,742, A duplicated; the last of 2 consecutive A bases (chr22:41,117,741-41,117,742); duplicating either gives the same sequence. VCF-style (leftmost placement, unchanged base first): chr22-41117740-C-CA. GRCh37 (hg19) VCF-style: chr22-41513744-C-CA.
Other names: c.650dup, p.Asn217fs (NM_001362843.2); short protein forms N217fs.
Identifiers: ClinVar variation 1072487 (VCV001072487.9), dbSNP rs2145697647, ClinGen allele CA2499226190.